The following is an entry in ClinVar:

ClinVar aggregate classification (germline): Likely pathogenic (1 of 4 stars; one submission).

Conditions:
Wiedemann-Steiner syndrome (WDSTS). Also called: Growth deficiency and mental retardation with facial dysmorphism. Identifiers: Orphanet 319182, MedGen C1854630, MONDO:0011518, OMIM 605130.

Submission:

Daryl Scott Lab, Baylor College of Medicine
Classification: Likely pathogenic for Wiedemann-Steiner syndrome. Last evaluated: 2024-01-01. Review status: criteria provided, single submitter. Criteria: ACMG Guidelines, 2015. Collection method: clinical testing. Allele origin: de novo. Affected: yes. Observed: 1 heterozygote.
Comment: PS2, PS4, PM2, PP3

NM_001197104.2(KMT2A):c.5807G>A (p.Cys1936Tyr)

Gene: KMT2A (lysine methyltransferase 2A; plus strand). Cytogenetic location: 11q23.3.
Variant type: single nucleotide variant.
Coding change: c.5807G>A on transcript NM_001197104.2 (MANE Select); coding-DNA position 5807, G replaced by A.
Protein change: p.Cys1936Tyr; replaces cysteine 1936 with tyrosine.
Molecular consequence: missense variant.
Genome position (GRCh38, 1-based): chr11:118,498,374, G>A. VCF-style: chr11-118498374-G-A. GRCh37 (hg19) VCF-style: chr11-118369089-G-A.
Other names: c.5897G>A, p.Cys1966Tyr (NM_001412597.1); c.5798G>A, p.Cys1933Tyr (NM_005933.4); short protein forms C1933Y, C1936Y, C1966Y.
Identifiers: ClinVar variation 3764640 (VCV003764640.1).
Genomic context (GRCh38, chr11:118,498,374, plus strand): 5'-AACGTCTTAAAACATATGAAAGTCTGAATAGGACTCTGTTCTTTTTGGATTTTTAGAGAT[G>A]TGAATTCTGCCAAAAGCCAGGAGCCACCGTGGGTTGCTGTCTCACATCCTGCACCAGCAA-3'
Protein context (NP_001184033.1, residues 1926-1946): MAVIRGKQLR[Cys1936Tyr]EFCQKPGATV